The following is an entry in ClinVar:

ClinVar aggregate classification (germline): Uncertain significance (1 of 4 stars; one submission).

Conditions:
Cardiovascular phenotype. Identifiers: MedGen CN230736.

gnomAD v4.1: 1 of 1,596,406 alleles (0.000063%); highest among the groups gnomAD compares: African/African-American, 0.0013%; no homozygotes.

Submission:

Ambry Genetics
Classification: Uncertain significance for Cardiovascular phenotype. Last evaluated: 2026-03-09. Review status: criteria provided, single submitter. Criteria: Ambry Variant Classification Scheme 2023. Collection method: clinical testing. Allele origin: germline.
Comment: The p.L12V variant (also known as c.34C>G), located in coding exon 1 of the ENG gene, results from a C to G substitution at nucleotide position 34. The leucine at codon 12 is replaced by valine, an amino acid with highly similar properties. This amino acid position is conserved. In addition, this alteration is predicted to be tolerated by in silico analysis. Based on the available evidence, the clinical significance of this variant remains unclear.

NM_001114753.3(ENG):c.34C>G (p.Leu12Val)

Gene: ENG (endoglin; minus strand). Cytogenetic location: 9q34.11.
Variant type: single nucleotide variant.
Coding change: c.34C>G on transcript NM_001114753.3 (MANE Select); coding-DNA position 34, C replaced by G.
Protein change: p.Leu12Val; replaces leucine 12 with valine.
Molecular consequence: missense variant.
Genome position (GRCh38, 1-based): chr9:127,854,322, G>C on the plus strand (C>G on the coding strand, the complement: ENG is on the minus strand). VCF-style: chr9-127854322-G-C. GRCh37 (hg19) VCF-style: chr9-130616601-G-C.
Other names: c.34C>G, p.Leu12Val (NM_000118.4, NM_001406715.1); short protein forms L12V.
Identifiers: ClinVar variation 4843429 (VCV004843429.1).